The following is an entry in ClinVar:

ClinVar aggregate classification (germline): Likely pathogenic (1 of 4 stars; one submission).

Conditions:
Megalencephalic leukoencephalopathy with subcortical cysts. Also called: VAN DER KNAAP DISEASE. Identifiers: Orphanet 2478, MedGen C1858854, MONDO:0011391.

Submission:

Natera, Inc.
Classification: Likely pathogenic for Megalencephalic leukoencephalopathy with subcortical cysts. Last evaluated: 2025-05-01. Review status: criteria provided, single submitter. Criteria: Natera Variant Classification Schema (03/2026). Collection method: clinical testing. Allele origin: germline.
Comment: The c.941del variant in MLC1 is a frameshift variant predicted to shift the reading frame beginning at codon 314 and leads to a stop codon 46 codons downstream. This variant is expected to result in nonsense mediated decay, truncation, or a dysfunctional protein product. This variant is rare in the general population with a frequency below the threshold expected for the associated phenotype(s). Given the available evidence, this variant is classified as Likely Pathogenic.

NM_015166.4(MLC1):c.941del (p.Leu314fs)

Gene: MLC1 (modulator of VRAC current 1; minus strand). Cytogenetic location: 22q13.33.
Variant type: Deletion.
Coding change: c.941del on transcript NM_015166.4 (MANE Select); coding-DNA position 941, one base deleted (T; older notation c.941delT).
Protein change: p.Leu314fs; shifts the reading frame from leucine 314.
Molecular consequence: frameshift variant. On other transcripts: non-coding transcript variant (3).
Genome position (GRCh38, 1-based): chr22:50,064,152, A deleted on the plus strand (T on the coding strand, the reverse complement: MLC1 is on the minus strand). VCF-style (leftmost placement, unchanged base first): chr22-50064151-CA-C. GRCh37 (hg19) VCF-style: chr22-50502580-CA-C.
Other names: c.941del, p.Leu314fs (NM_001376472.1, NM_001376473.1, NM_001376474.1 and 5 more transcripts); c.884del, p.Leu295fs (NM_001376479.1); c.851del, p.Leu284fs (NM_001376480.1); c.839del, p.Leu280fs (NM_001376481.1); c.785del, p.Leu262fs (NM_001376482.1, NM_001376483.1); c.704del, p.Leu235fs (NM_001376484.1); short protein forms L235fs, L262fs, L280fs, L284fs, L295fs, L314fs.
Identifiers: ClinVar variation 4057745 (VCV004057745.2).